The following is an entry in ClinVar:

ClinVar aggregate classification (germline): Likely benign (1 of 4 stars; one submission).

Conditions:
ITGA2B-related disorder. Also called: ITGA2B-related condition; ITGA2B-related disorders.

Submission:

PreventionGenetics, part of Exact Sciences
Classification: Likely benign for ITGA2B-related condition. Last evaluated: 2025-12-29. Review status: criteria provided, single submitter. Criteria: ACMG Guidelines, 2015. Collection method: clinical testing. Allele origin: germline.
Comment: This variant is classified as likely benign based on ACMG/AMP sequence variant interpretation guidelines (Richards et al. 2015 PMID: 25741868, with internal and published modifications).

NM_000419.5(ITGA2B):c.670+7G>A

Gene: ITGA2B (integrin subunit alpha 2b; minus strand). Cytogenetic location: 17q21.31.
Variant type: single nucleotide variant.
Coding change: c.670+7G>A on transcript NM_000419.5 (MANE Select); 7 bases into the intron after coding-DNA position 670, G replaced by A.
Molecular consequence: intron variant.
Genome position (GRCh38, 1-based): chr17:44,385,157, C>T on the plus strand (G>A on the coding strand, the complement: ITGA2B is on the minus strand). VCF-style: chr17-44385157-C-T. GRCh37 (hg19) VCF-style: chr17-42462525-C-T.
Identifiers: ClinVar variation 4996179 (VCV004996179.1).
Genomic context (GRCh38, chr17:44,385,157, plus strand): 5'-GGTGTGAAGCCCAAAGCGGTCTCCTTGGGCCGCGAGAAGGGAGGGAGGTGTACGGATGGG[C>T]ACGTACCTAAGAAATAATAGCCGCCAGGAGCCCCAAGCACCAGCTCTCCGGCCTGGAAGG-3'